The following is an entry in ClinVar:

ClinVar aggregate classification (germline): Likely benign. Review status: criteria provided, multiple submitters, no conflicts (2 of 4 stars). 4 submissions from 4 submitters: Likely benign (4). Last evaluated 2026-09-01.

Conditions:
GNA11-related disorder. Also called: GNA11-related condition.

Allele frequency attached by ClinVar (database versions not stated): TOPMed 0.00003; ExAC 0.00004; gnomAD 0.00004 and 0.00005; gnomAD exomes 0.00004; 1000 Genomes Project 30x 0.00016; 1000 Genomes Project 0.00020.
gnomAD v4.1: 47 of 1,612,902 alleles (0.0029%); highest among the groups gnomAD compares: Middle Eastern, 0.017%; no homozygotes.

Submissions (4):

CeGaT Center for Human Genetics Tuebingen
Classification: Likely benign. Last evaluated: 2026-09-01. Review status: criteria provided, single submitter. Criteria: CeGaT Center For Human Genetics Tuebingen Variant Classification Criteria Version 2. Collection method: clinical testing. Allele origin: germline. Affected: yes. Observed: 1 variant allele.
Comment: GNA11: BP4, BP7

PreventionGenetics, part of Exact Sciences
Classification: Likely benign for GNA11-related condition. Last evaluated: 2025-10-19. Review status: criteria provided, single submitter. Criteria: ACMG Guidelines, 2015. Collection method: clinical testing. Allele origin: germline.
Comment: This variant is classified as likely benign based on ACMG/AMP sequence variant interpretation guidelines (Richards et al. 2015 PMID: 25741868, with internal and published modifications).

Labcorp Genetics (formerly Invitae), Labcorp
Classification: Likely benign. Last evaluated: 2025-06-04. Review status: criteria provided, single submitter. Criteria: Invitae Variant Classification Sherloc (09022015). Collection method: clinical testing. Allele origin: germline.

Blueprint Genetics
Classification: Likely benign. Last evaluated: 2021-10-15. Review status: criteria provided, single submitter. Criteria: ACMG Guidelines, 2015. Collection method: clinical testing. Allele origin: germline.

NM_002067.5(GNA11):c.903C>T (p.Asp301=)

Gene: GNA11 (G protein subunit alpha 11; plus strand). Cytogenetic location: 19p13.3.
Variant type: single nucleotide variant.
Coding change: c.903C>T on transcript NM_002067.5 (MANE Select); coding-DNA position 903, C replaced by T.
Protein change: p.Asp301=; no amino-acid change (aspartic acid 301 retained).
Molecular consequence: synonymous variant.
Genome position (GRCh38, 1-based): chr19:3,121,002, C>T. VCF-style: chr19-3121002-C-T. GRCh37 (hg19) VCF-style: chr19-3121000-C-T.
Other names: c.903C>T (NM_002067.4).
Identifiers: ClinVar variation 1142624 (VCV001142624.12), dbSNP rs539753774, ClinGen allele CA9075101.